The following is an entry in ClinVar:

NM_006922.4(SCN3A):c.1205T>C (p.Ile402Thr)

Gene: SCN3A (sodium voltage-gated channel alpha subunit 3; minus strand). Cytogenetic location: 2q24.3.
Variant type: single nucleotide variant.
Coding change: c.1205T>C on transcript NM_006922.4 (MANE Select); coding-DNA position 1205, T replaced by C.
Protein change: p.Ile402Thr; replaces isoleucine 402 with threonine.
Molecular consequence: missense variant.
Genome position (GRCh38, 1-based): chr2:165,154,627, A>G on the plus strand (T>C on the coding strand, the complement: SCN3A is on the minus strand). VCF-style: chr2-165154627-A-G. GRCh37 (hg19) VCF-style: chr2-166011137-A-G.
Other names: c.1205T>C, p.Ile402Thr (NM_001081676.2, NM_001081677.2); c.1205T>C (NM_006922.3); short protein forms I402T.
Identifiers: ClinVar variation 1440042 (VCV001440042.9), dbSNP rs750026037, ClinGen allele CA1939202.
Genomic context (GRCh38, chr2:165,154,627, plus strand): 5'-ACAGCCAGGATCAAATTCACCAAATAAAATGAGCCCAAGAAAATGACCAGGACAAAAAAT[A>G]TCATGTATGTTTTCCCAGCAGCACGTAATGTCTAGGGGAAATGGGGGATAATTCCATCAG-3'
Protein context (NP_008853.3, residues 392-412): TLRAAGKTYM[Ile402Thr]FFVLVIFLGS

ClinVar aggregate classification (germline): Conflicting classifications of pathogenicity. Review status: criteria provided, conflicting classifications (1 of 4 stars). 2 submissions from 2 submitters: Uncertain significance (1); Likely benign (1). Last evaluated 2025-09-24.

Conditions:
Inborn genetic diseases. Identifiers: MedGen C0950123, MeSH D030342.

Allele frequency attached by ClinVar (database versions not stated): gnomAD exomes 0.00001 and 0.00004; TOPMed 0.00001; gnomAD 0.00002; ExAC 0.00003.
gnomAD v4.1: 14 of 1,614,048 alleles (0.00087%); highest among the groups gnomAD compares: East Asian, 0.027%; no homozygotes.

Submissions (2):

Labcorp Genetics (formerly Invitae), Labcorp
Classification: Uncertain significance. Last evaluated: 2025-09-24. Review status: criteria provided, single submitter. Criteria: Invitae Variant Classification Sherloc (09022015). Collection method: clinical testing. Allele origin: germline.
Comment: This sequence change replaces isoleucine, which is neutral and non-polar, with threonine, which is neutral and polar, at codon 402 of the SCN3A protein (p.Ile402Thr). This variant is present in population databases (rs750026037, gnomAD 0.07%), and has an allele count higher than expected for a pathogenic variant. This variant has not been reported in the literature in individuals affected with SCN3A-related conditions. ClinVar contains an entry for this variant (Variation ID: 1440042). Invitae Evidence Modeling of protein sequence and biophysical properties (such as structural, functional, and spatial information, amino acid conservation, physicochemical variation, residue mobility, and thermodynamic stability) indicates that this missense variant is not expected to disrupt SCN3A protein function with a negative predictive value of 80%. In summary, the available evidence is currently insufficient to determine the role of this variant in disease. Therefore, it has been classified as a Variant of Uncertain Significance.

Ambry Genetics
Classification: Likely benign for Inborn genetic diseases. Last evaluated: 2023-02-07. Review status: criteria provided, single submitter. Criteria: Ambry Variant Classification Scheme 2023. Collection method: clinical testing. Allele origin: germline.